The following is an entry in ClinVar:

ClinVar aggregate classification (germline): Likely benign. Review status: criteria provided, single submitter (1 of 4 stars). 2 submissions from 2 submitters: Likely benign (1). 1 of the submissions does not count toward it. Last evaluated 2025-03-18.

Conditions:
FTCD-AS1-related disorder. Also called: FTCD-AS1-related condition.
Glutamate formiminotransferase deficiency. Also called: Formiminoglutamic aciduria; Arakawa syndrome 1. Identifiers: Orphanet 51208, MedGen C0268609, MONDO:0009240, OMIM 229100.

Allele frequency attached by ClinVar (database versions not stated): TOPMed 0.00002 and 0.00004; gnomAD 0.00005; gnomAD exomes 0.00009 and 0.00024; ESP Exome Variant Server 0.00015; 1000 Genomes Project 0.00020; ExAC 0.00026; 1000 Genomes Project 30x 0.00031.
gnomAD v4.1: 144 of 1,612,940 alleles (0.0089%); highest among the groups gnomAD compares: South Asian, 0.11%; 3 homozygotes.

Submissions (2):

Labcorp Genetics (formerly Invitae), Labcorp
Classification: Likely benign for Glutamate formiminotransferase deficiency. Last evaluated: 2025-03-18. Review status: criteria provided, single submitter. Criteria: Invitae Variant Classification Sherloc (09022015). Collection method: clinical testing. Allele origin: germline.

PreventionGenetics, part of Exact Sciences
Classification: Likely benign for FTCD-AS1-related condition. Last evaluated: 2019-07-26. Review status: no assertion criteria provided. Collection method: clinical testing. Allele origin: germline. Not counted in ClinVar's aggregate classification.
Comment: This variant is classified as likely benign based on ACMG/AMP sequence variant interpretation guidelines (Richards et al. 2015 PMID: 25741868, with internal and published modifications).

NM_206965.2(FTCD):c.600G>A (p.Ala200=)

Genes: FTCD (formimidoyltransferase cyclodeaminase; minus strand), FTCD-AS1 (FTCD antisense RNA 1; plus strand). Cytogenetic location: 21q22.3.
Variant type: single nucleotide variant.
Coding change: c.600G>A on transcript NM_206965.2 (MANE Select); coding-DNA position 600, G replaced by A.
Protein change: p.Ala200=; no amino-acid change (alanine 200 retained).
Molecular consequence: synonymous variant.
Genome position (GRCh38, 1-based): chr21:46,151,594, C>T on the plus strand (G>A on the coding strand, the complement: FTCD is on the minus strand). VCF-style: chr21-46151594-C-T. GRCh37 (hg19) VCF-style: chr21-47571508-C-T.
Other names: NM_001350598.1:c.60C>T; c.600G>A, p.Ala200= (NM_001320412.2, NM_006657.3).
Identifiers: ClinVar variation 2069773 (VCV002069773.6), dbSNP rs147306849, ClinGen allele CA10073815.